The following is an entry in ClinVar:

NM_006393.3(NEBL):c.2497dup (p.Arg833fs)

Gene: NEBL (nebulette; minus strand). Cytogenetic location: 10p12.31.
Variant type: Duplication.
Coding change: c.2497dup on transcript NM_006393.3 (MANE Select); coding-DNA position 2497, one base duplicated (A; older notation c.2497dupA).
Protein change: p.Arg833fs; shifts the reading frame from arginine 833.
Molecular consequence: frameshift variant.
Genome position (GRCh38, 1-based): chr10:20,812,790, T duplicated on the plus strand (A on the coding strand, the reverse complement: NEBL is on the minus strand). VCF-style (leftmost placement, unchanged base first): chr10-20812789-C-CT. GRCh37 (hg19) VCF-style: chr10-21101718-C-CT.
Other names: c.508dup, p.Arg170fs (NM_001173484.2, NM_001377322.1, NM_213569.2); c.460dup, p.Arg154fs (NM_001377323.1); c.451dup, p.Arg151fs (NM_001377324.1); c.442dup, p.Arg148fs (NM_001377325.1); c.400dup, p.Arg134fs (NM_001377326.1, NM_001377327.1, NM_001377328.1); short protein forms R170fs, R833fs, R134fs, R148fs, R151fs, R154fs.
Identifiers: ClinVar variation 4735703 (VCV004735703.1).

ClinVar aggregate classification (germline): Uncertain significance (1 of 4 stars; one submission).

Conditions:
Primary dilated cardiomyopathy (DCM). Also called: Dilated Cardiomyopathy. Identifiers: Orphanet 217604, MedGen C0007193, MeSH D002311, MONDO:0005021, HP:0001644. Inheritance: Various modes of inheritance.

Submission:

Labcorp Genetics (formerly Invitae), Labcorp
Classification: Uncertain significance for Primary dilated cardiomyopathy. Last evaluated: 2026-01-19. Review status: criteria provided, single submitter. Criteria: Invitae Variant Classification Sherloc (09022015). Collection method: clinical testing. Allele origin: germline.
Comment: This sequence change creates a premature translational stop signal (p.Arg833Lysfs*8) in the NEBL gene. It is expected to result in an absent or disrupted protein product. However, the current clinical and genetic evidence is not sufficient to establish whether loss-of-function variants in NEBL cause disease. This variant is not present in population databases (gnomAD no frequency). This variant has not been reported in the literature in individuals affected with NEBL-related conditions. In summary, the available evidence is currently insufficient to determine the role of this variant in disease. Therefore, it has been classified as a Variant of Uncertain Significance.